The following is an entry in ClinVar:

ClinVar aggregate classification (germline): Conflicting classifications of pathogenicity. Review status: criteria provided, conflicting classifications (1 of 4 stars). 3 submissions from 3 submitters: Uncertain significance (1); Benign (2). Last evaluated 2026-02-01.

Conditions:
Acrofacial dysostosis Cincinnati type. Identifiers: Orphanet 1200, MedGen C4225317, MONDO:0014651, OMIM 616462.

Allele frequency attached by ClinVar (database versions not stated): gnomAD 0.00015 and 0.00016; TOPMed 0.00017; ExAC 0.00022; gnomAD exomes 0.00028 and 0.00037.
gnomAD v4.1: 563 of 1,613,790 alleles (0.035%); highest among the groups gnomAD compares: Middle Eastern, 0.069%; no homozygotes.

Submissions (3):

Labcorp Genetics (formerly Invitae), Labcorp
Classification: Uncertain significance. Last evaluated: 2026-02-01. Review status: criteria provided, single submitter. Criteria: Invitae Variant Classification Sherloc (09022015). Collection method: clinical testing. Allele origin: germline.
Comment: This sequence change replaces alanine, which is neutral and non-polar, with threonine, which is neutral and polar, at codon 1140 of the POLR1A protein (p.Ala1140Thr). This variant is present in population databases (rs200880797, gnomAD 0.06%). This variant has not been reported in the literature in individuals affected with POLR1A-related conditions. ClinVar contains an entry for this variant (Variation ID: 1502342). Invitae Evidence Modeling of protein sequence and biophysical properties (such as structural, functional, and spatial information, amino acid conservation, physicochemical variation, residue mobility, and thermodynamic stability) indicates that this missense variant is not expected to disrupt POLR1A protein function with a negative predictive value of 80%. In summary, the available evidence is currently insufficient to determine the role of this variant in disease. Therefore, it has been classified as a Variant of Uncertain Significance.

Blueprint Genetics
Classification: Benign. Last evaluated: 2024-11-07. Review status: criteria provided, single submitter. Criteria: ACMG Guidelines, 2015. Collection method: clinical testing. Allele origin: germline.

Medical Genetics Laboratory, Niloo Shiraz Laboratory
Classification: Benign for Acrofacial dysostosis Cincinnati type. Review status: criteria provided, single submitter. Criteria: ACMG Guidelines, 2015. Collection method: clinical testing. Allele origin: germline. Inheritance: Autosomal dominant inheritance. Affected: no. Observed: 5 variant alleles.
Comment: This variant was observed in multiple healthy individuals in our Niloo-exome database and is also reported in gnomAD with a frequency of ƒ = 0.000369. Considering its allele frequency, age of onset, and in silico predictions, we classified this variant as benign

NM_015425.6(POLR1A):c.3418G>A (p.Ala1140Thr)

Gene: POLR1A (RNA polymerase I subunit A; minus strand). Cytogenetic location: 2p11.2.
Variant type: single nucleotide variant.
Coding change: c.3418G>A on transcript NM_015425.6 (MANE Select); coding-DNA position 3418, G replaced by A.
Protein change: p.Ala1140Thr; replaces alanine 1140 with threonine.
Molecular consequence: missense variant.
Genome position (GRCh38, 1-based): chr2:86,042,043, C>T on the plus strand (G>A on the coding strand, the complement: POLR1A is on the minus strand). VCF-style: chr2-86042043-C-T. GRCh37 (hg19) VCF-style: chr2-86269166-C-T.
Other names: short protein forms A1140T.
Identifiers: ClinVar variation 1502342 (VCV001502342.8), dbSNP rs200880797, ClinGen allele CA1745770.